The following is an entry in ClinVar:

ClinVar aggregate classification (germline): Conflicting classifications of pathogenicity. Review status: criteria provided, conflicting classifications (1 of 4 stars). 2 submissions from 2 submitters: Likely pathogenic (1); Uncertain significance (1). Last evaluated 2023-08-29.

Conditions:
Congenital factor VII deficiency. Identifiers: Orphanet 327, MedGen C0272320, MONDO:0009211, OMIM 227500.

Allele frequency attached by ClinVar (database versions not stated): ExAC 0.00004.
gnomAD v4.1: 50 of 1,594,454 alleles (0.0031%); highest among the groups gnomAD compares: South Asian, 0.03%; 1 homozygote.

Submissions (2):

Women's Health and Genetics/Laboratory Corporation of America, LabCorp
Classification: Uncertain significance. Last evaluated: 2023-08-29. Review status: criteria provided, single submitter. Criteria: LabCorp Variant Classification Summary - May 2015. Collection method: clinical testing. Allele origin: germline.
Comment: Variant summary: F7 c.814G>A (p.Asp272Asn) results in a conservative amino acid change located in the Serine proteases, trypsin domain (IPR001254) of the encoded protein sequence. Five of five in-silico tools predict a benign effect of the variant on protein function. The variant allele was found at a frequency of 4.2e-05 in 239956 control chromosomes in the gnomAD database, including one homozygotes, suggesting a benign role for this variant. c.814G>A has been reported in the literature in a heterozygous individual affected with easy bruising (Herrmann_2009). This report does not provide unequivocal conclusions about association of the variant with Congenital factor VII deficiency. To our knowledge, no experimental evidence demonstrating an impact on protein function has been reported. The following publication has been ascertained in the context of this evaluation (PMID: 18976247). One submitter has cited clinical-significance assessments for this variant to ClinVar after 2014 and has classified the variant as likely pathogenic. Based on the evidence outlined above, the variant was classified as uncertain significance.

Genetics and Molecular Pathology, SA Pathology
Classification: Likely pathogenic for Congenital factor VII deficiency. Last evaluated: 2022-05-19. Review status: criteria provided, single submitter. Criteria: ACMG Guidelines, 2015. Collection method: clinical testing. Allele origin: germline. Inheritance: Autosomal recessive inheritance. Affected: yes.

Literature cited by the submitters: PubMed 18976247 (cited by Women's Health and Genetics/Laboratory Corporation of America, LabCorp).

NM_019616.4(F7):c.748G>A (p.Asp250Asn)

Gene: F7 (coagulation factor VII; plus strand). Cytogenetic location: 13q34.
Variant type: single nucleotide variant.
Coding change: c.748G>A on transcript NM_019616.4 (MANE Select); coding-DNA position 748, G replaced by A.
Protein change: p.Asp250Asn; replaces aspartic acid 250 with asparagine.
Molecular consequence: missense variant. On other transcripts: non-coding transcript variant (1).
Genome position (GRCh38, 1-based): chr13:113,118,421, G>A. VCF-style: chr13-113118421-G-A. GRCh37 (hg19) VCF-style: chr13-113772735-G-A.
Other names: c.814G>A, p.Asp272Asn (NM_000131.5); c.562G>A, p.Asp188Asn (NM_001267554.2); short protein forms D188N, D250N, D272N.
Identifiers: ClinVar variation 1803185 (VCV001803185.3), dbSNP rs751028917, ClinGen allele CA7060128.